The following is an entry in ClinVar:

NM_005378.6(MYCN):c.8G>C (p.Ser3Thr)

Genes: MYCN (MYCN proto-oncogene, bHLH transcription factor; plus strand), MYCNOS (MYCN opposite strand; minus strand). Cytogenetic location: 2p24.3.
Variant type: single nucleotide variant.
Coding change: c.8G>C on transcript NM_005378.6 (MANE Select); coding-DNA position 8, G replaced by C.
Protein change: p.Ser3Thr; replaces serine 3 with threonine.
Molecular consequence: missense variant. On other transcripts: intron variant (1).
Genome position (GRCh38, 1-based): chr2:15,942,072, G>C. VCF-style: chr2-15942072-G-C. GRCh37 (hg19) VCF-style: chr2-16082194-G-C.
Other names: c.8G>C, p.Ser3Thr (NM_001293228.2); c.282G>C, p.Glu94Asp (NM_001293233.2); c.157+1329G>C (NM_001293231.2); short protein forms S3T, E94D.
Identifiers: ClinVar variation 497281 (VCV000497281.13), dbSNP rs373683425, ClinGen allele CA1538099.

ClinVar aggregate classification (germline): Conflicting classifications of pathogenicity. Review status: criteria provided, conflicting classifications (1 of 4 stars). 3 submissions from 3 submitters: Uncertain significance (1); Likely benign (1). 1 of the submissions does not count toward it. Last evaluated 2025-05-12.

Conditions:
MYCN-related disorder. Also called: MYCN-related condition.

Allele frequency attached by ClinVar (database versions not stated): ESP Exome Variant Server 0.00023; gnomAD 0.00058 and 0.00061; TOPMed 0.00066; 1000 Genomes Project 0.00100; 1000 Genomes Project 30x 0.00125.

Submissions (3):

Labcorp Genetics (formerly Invitae), Labcorp
Classification: Likely benign. Last evaluated: 2025-05-12. Review status: criteria provided, single submitter. Criteria: Invitae Variant Classification Sherloc (09022015). Collection method: clinical testing. Allele origin: germline.

Eurofins Ntd Llc (ga)
Classification: Uncertain significance. Last evaluated: 2016-10-07. Review status: criteria provided, single submitter. Criteria: EGL Classification Definitions 2015. Collection method: clinical testing. Allele origin: germline. Observed: 1 variant allele, 1 heterozygote.

PreventionGenetics, part of Exact Sciences
Classification: Likely benign for MYCN-related condition. Last evaluated: 2022-04-04. Review status: no assertion criteria provided. Collection method: clinical testing. Allele origin: germline. Not counted in ClinVar's aggregate classification.
Comment: This variant is classified as likely benign based on ACMG/AMP sequence variant interpretation guidelines (Richards et al. 2015 PMID: 25741868, with internal and published modifications).